The following is an entry in ClinVar:

ClinVar aggregate classification (germline): Uncertain significance. Review status: criteria provided, multiple submitters, no conflicts (2 of 4 stars). 3 submissions from 3 submitters: Uncertain significance (3). Last evaluated 2025-08-22.

Conditions:
Left ventricular noncompaction 8 (LVNC8). Identifiers: Orphanet 154, Orphanet 54260, MedGen C3809288, MONDO:0014152, OMIM 615373.
Inborn genetic diseases. Identifiers: MedGen C0950123, MeSH D030342.

Allele frequency attached by ClinVar (database versions not stated): gnomAD 0.00001; gnomAD exomes 0.00001; TOPMed 0.00002.
gnomAD v4.1: 9 of 1,555,926 alleles (0.00058%); highest among the groups gnomAD compares: African/African-American, 0.0027%; no homozygotes.

Submissions (3):

Labcorp Genetics (formerly Invitae), Labcorp
Classification: Uncertain significance for Left ventricular noncompaction 8. Last evaluated: 2025-08-22. Review status: criteria provided, single submitter. Criteria: Invitae Variant Classification Sherloc (09022015). Collection method: clinical testing. Allele origin: germline.
Comment: This sequence change replaces glutamic acid, which is acidic and polar, with lysine, which is basic and polar, at codon 1154 of the PRDM16 protein (p.Glu1154Lys). The frequency data for this variant in the population databases is considered unreliable, as metrics indicate poor data quality at this position in the gnomAD database. This variant has not been reported in the literature in individuals affected with PRDM16-related conditions. ClinVar contains an entry for this variant (Variation ID: 1021435). An algorithm developed to predict the effect of missense changes on protein structure and function (PolyPhen-2) suggests that this variant is likely to be tolerated. In summary, the available evidence is currently insufficient to determine the role of this variant in disease. Therefore, it has been classified as a Variant of Uncertain Significance.

Ambry Genetics
Classification: Uncertain significance for Inborn genetic diseases. Last evaluated: 2024-03-30. Review status: criteria provided, single submitter. Criteria: Ambry Variant Classification Scheme 2023. Collection method: clinical testing. Allele origin: germline.

GeneDx
Classification: Uncertain significance. Last evaluated: 2022-10-27. Review status: criteria provided, single submitter. Criteria: GeneDx Variant Classification Process June 2021. Collection method: clinical testing. Allele origin: germline. Affected: yes.
Comment: Not observed at significant frequency in large population cohorts (gnomAD); In silico analysis supports that this missense variant does not alter protein structure/function; Has not been previously published as pathogenic or benign to our knowledge

NM_022114.4(PRDM16):c.3460G>A (p.Glu1154Lys)

Gene: PRDM16 (PR/SET domain 16; plus strand). Cytogenetic location: 1p36.32.
Variant type: single nucleotide variant.
Coding change: c.3460G>A on transcript NM_022114.4 (MANE Select); coding-DNA position 3460, G replaced by A.
Protein change: p.Glu1154Lys; replaces glutamic acid 1154 with lysine.
Molecular consequence: missense variant.
Genome position (GRCh38, 1-based): chr1:3,431,047, G>A. VCF-style: chr1-3431047-G-A. GRCh37 (hg19) VCF-style: chr1-3347611-G-A.
Other names: c.3460G>A, p.Glu1154Lys (NM_199454.3); c.3460G>A (NM_022114.3); short protein forms E1154K.
Identifiers: ClinVar variation 1021435 (VCV001021435.10), dbSNP rs999685090, ClinGen allele CA16990217.
Genomic context (GRCh38, chr1:3,431,047, plus strand): 5'-CTGGCCGGGAAGTCGCAGGATGACACCGTGTCCCCCGCACCCGAGCCCCAGGCCGCCTAC[G>A]AGGATGAGGAGGATGAGGAGCCAGCCGCCTCCCTGGCCGTGGGCTTTGACCACACCCGAA-3'
Protein context (NP_071397.3, residues 1144-1164): SPAPEPQAAY[Glu1154Lys]DEEDEEPAAS